The following is an entry in ClinVar:

ClinVar aggregate classification (germline): Benign/Likely benign. Review status: criteria provided, multiple submitters, no conflicts (2 of 4 stars). 3 submissions from 3 submitters: Benign (1); Likely benign (1). 1 of the submissions does not count toward it. Last evaluated 2025-12-08.

Conditions:
Autosomal recessive nonsyndromic hearing loss 77. Identifiers: Orphanet 90636, MedGen C2746083, MONDO:0013119, OMIM 613079.
LOXHD1-related disorder. Also called: LOXHD1-related condition.

Allele frequency attached by ClinVar (database versions not stated): gnomAD 0.00002; gnomAD exomes 0.00015 and 0.00041; 1000 Genomes Project 30x 0.00031; 1000 Genomes Project 0.00040; ExAC 0.00107.
gnomAD v4.1: 204 of 1,551,682 alleles (0.013%); highest among the groups gnomAD compares: South Asian, 0.24%; 6 homozygotes.

Submissions (3):

Labcorp Genetics (formerly Invitae), Labcorp
Classification: Benign. Last evaluated: 2025-12-08. Review status: criteria provided, single submitter. Criteria: Invitae Variant Classification Sherloc (09022015). Collection method: clinical testing. Allele origin: germline.

PreventionGenetics, part of Exact Sciences
Classification: Likely benign for LOXHD1-related condition. Last evaluated: 2025-12-03. Review status: criteria provided, single submitter. Criteria: ACMG Guidelines, 2015. Collection method: clinical testing. Allele origin: germline.
Comment: This variant is classified as likely benign based on ACMG/AMP sequence variant interpretation guidelines (Richards et al. 2015 PMID: 25741868, with internal and published modifications).

Natera, Inc.
Classification: Likely benign for Autosomal recessive deafness type 77. Last evaluated: 2020-02-05. Review status: no assertion criteria provided. Collection method: clinical testing. Allele origin: germline. Not counted in ClinVar's aggregate classification.

NM_001384474.1(LOXHD1):c.5691G>C (p.Leu1897=)

Gene: LOXHD1 (lipoxygenase homology PLAT domains 1; minus strand). Cytogenetic location: 18q21.1.
Variant type: single nucleotide variant.
Coding change: c.5691G>C on transcript NM_001384474.1 (MANE Select); coding-DNA position 5691, G replaced by C.
Protein change: p.Leu1897=; no amino-acid change (leucine 1897 retained).
Molecular consequence: synonymous variant.
Genome position (GRCh38, 1-based): chr18:46,507,539, C>G on the plus strand (G>C on the coding strand, the complement: LOXHD1 is on the minus strand). VCF-style: chr18-46507539-C-G. GRCh37 (hg19) VCF-style: chr18-44087502-C-G.
Other names: c.5505G>C (NM_144612.6); c.2358G>C, p.Leu786= (NM_001145472.3); c.408G>C, p.Leu136= (NM_001145473.3, NM_001173129.2); c.2070G>C, p.Leu690= (NM_001308013.2); c.5505G>C, p.Leu1835= (NM_144612.7).
Identifiers: ClinVar variation 1167564 (VCV001167564.11), dbSNP rs527820569, ClinGen allele CA8952154.